The following is an entry in ClinVar:

NM_018668.5(VPS33B):c.842C>G (p.Ala281Gly)

Gene: VPS33B (VPS33B late endosome and lysosome associated; minus strand). Cytogenetic location: 15q26.1.
Variant type: single nucleotide variant.
Coding change: c.842C>G on transcript NM_018668.5 (MANE Select); coding-DNA position 842, C replaced by G.
Protein change: p.Ala281Gly; replaces alanine 281 with glycine.
Molecular consequence: missense variant.
Genome position (GRCh38, 1-based): chr15:91,006,382, G>C on the plus strand (C>G on the coding strand, the complement: VPS33B is on the minus strand). VCF-style: chr15-91006382-G-C. GRCh37 (hg19) VCF-style: chr15-91549612-G-C.
Other names: p.Ala281Gly; c.761C>G, p.Ala254Gly (NM_001289148.1); c.569C>G, p.Ala190Gly (NM_001289149.1); short protein forms A281G, A190G, A254G.
Identifiers: ClinVar variation 281520 (VCV000281520.14), dbSNP rs115308854, ClinGen allele CA7744901.

ClinVar aggregate classification (germline): Benign/Likely benign. Review status: criteria provided, multiple submitters, no conflicts (2 of 4 stars). 4 submissions from 4 submitters: Benign (2); Likely benign (2). Last evaluated 2026-01-06.

Conditions:
VPS33B-related disorder. Also called: VPS33B-related condition.

Allele frequency attached by ClinVar (database versions not stated): gnomAD exomes 0.00024 and 0.00050; ExAC 0.00068; gnomAD 0.00246 and 0.00262; TOPMed 0.00258; ESP Exome Variant Server 0.00277; 1000 Genomes Project 0.00300; 1000 Genomes Project 30x 0.00344.
gnomAD v4.1: 726 of 1,614,190 alleles (0.045%); highest among the groups gnomAD compares: African/African-American, 0.87%; 3 homozygotes.

Submissions (4):

Labcorp Genetics (formerly Invitae), Labcorp
Classification: Likely benign. Last evaluated: 2026-01-06. Review status: criteria provided, single submitter. Criteria: Invitae Variant Classification Sherloc (09022015). Collection method: clinical testing. Allele origin: germline.

Mayo Clinic Laboratories, Mayo Clinic
Classification: Likely benign. Last evaluated: 2025-01-02. Review status: criteria provided, single submitter. Criteria: ACMG Guidelines, 2015. Collection method: clinical testing. Allele origin: germline. Observed: 3 variant alleles.
Comment: BS1, BS2_supporting, BP4

PreventionGenetics, part of Exact Sciences
Classification: Benign for VPS33B-related condition. Last evaluated: 2024-10-28. Review status: criteria provided, single submitter. Criteria: ACMG Guidelines, 2015. Collection method: clinical testing. Allele origin: germline.
Comment: This variant is classified as benign based on ACMG/AMP sequence variant interpretation guidelines (Richards et al. 2015 PMID: 25741868, with internal and published modifications).

Eurofins Ntd Llc (ga)
Classification: Benign. Last evaluated: 2015-06-18. Review status: criteria provided, single submitter. Criteria: EGL Classification Definitions 2015. Collection method: clinical testing. Allele origin: germline. Observed: 1 variant allele, 1 heterozygote.